The following is an entry in ClinVar:

ClinVar aggregate classification (germline): Uncertain significance. Review status: criteria provided, multiple submitters, no conflicts (2 of 4 stars). 2 submissions from 2 submitters: Uncertain significance (2). Last evaluated 2026-08-07.

Conditions:
Autosomal dominant striatal neurodegeneration type 1. Identifiers: Orphanet 228169, MedGen C4310808, MONDO:0012205, OMIM 609161.

Allele frequency attached by ClinVar (database versions not stated): gnomAD exomes below 0.00001.
gnomAD v4.1: 1 of 1,614,144 alleles (0.000062%); highest among the groups gnomAD compares: East Asian, 0.0022%; no homozygotes.

Submissions (2):

GeneDx
Classification: Uncertain significance. Last evaluated: 2026-08-07. Review status: criteria provided, single submitter. Criteria: GeneDx Variant Classification Process June 2021. Collection method: clinical testing. Allele origin: germline.
Comment: In silico analysis supports that this missense variant has a deleterious effect on protein structure/function; Has not been previously published as pathogenic or benign to our knowledge

Illumina Laboratory Services, Illumina
Classification: Uncertain significance for Autosomal dominant striatal neurodegeneration type 1. Last evaluated: 2018-01-12. Review status: criteria provided, single submitter. Criteria: ICSL Variant Classification Criteria 13 December 2019. Collection method: clinical testing. Allele origin: germline.

NM_003719.5(PDE8B):c.1001G>A (p.Cys334Tyr)

Gene: PDE8B (phosphodiesterase 8B; plus strand). Cytogenetic location: 5q13.3.
Variant type: single nucleotide variant.
Coding change: c.1001G>A on transcript NM_003719.5 (MANE Select); coding-DNA position 1001, G replaced by A.
Protein change: p.Cys334Tyr; replaces cysteine 334 with tyrosine.
Molecular consequence: missense variant. On other transcripts: intron variant (9).
Genome position (GRCh38, 1-based): chr5:77,349,543, G>A. VCF-style: chr5-77349543-G-A. GRCh37 (hg19) VCF-style: chr5-76645368-G-A.
Other names: c.1001G>A, p.Cys334Tyr (NM_001029852.4, NM_001376063.1, NM_001376064.1); c.941G>A, p.Cys314Tyr (NM_001029853.4); c.998G>A, p.Cys333Tyr (NM_001349748.3, NM_001349751.3); c.1064G>A, p.Cys355Tyr (NM_001349749.3); c.761G>A, p.Cys254Tyr (NM_001349750.3); c.695G>A, p.Cys232Tyr (NM_001349752.3); c.629G>A, p.Cys210Tyr (NM_001349753.2, NM_001376067.1, NM_001376068.1); c.698G>A, p.Cys233Tyr (NM_001376062.1, NM_001376072.1); and 10 more; short protein forms C210Y, C213Y, C232Y, C254Y, C333Y, C355Y, C314Y, C233Y.
Identifiers: ClinVar variation 903931 (VCV000903931.6), dbSNP rs973608754, ClinGen allele CA121068880.